The following is an entry in ClinVar:

ClinVar aggregate classification (germline): Uncertain significance. Review status: criteria provided, multiple submitters, no conflicts (2 of 4 stars). 2 submissions from 2 submitters: Uncertain significance (2). Last evaluated 2020-01-31.

Conditions:
Majeed syndrome (MJDS). Also called: LPIN2-Related Majeed Syndrome; CHRONIC RECURRENT MULTIFOCAL OSTEOMYELITIS 1, WITH CONGENITAL DYSERYTHROPOIETIC ANEMIA, WITH OR WITHOUT NEUTROPHILIC DERMATOSIS. Identifiers: Orphanet 77297, MedGen C1864997, MONDO:0012316, OMIM 609628.

Allele frequency attached by ClinVar (database versions not stated): gnomAD exomes 0.00001; ExAC 0.00002; gnomAD 0.00002 and 0.00003; TOPMed 0.00002; ESP Exome Variant Server 0.00015.
gnomAD v4.1: 7 of 1,614,036 alleles (0.00043%); highest among the groups gnomAD compares: African/African-American, 0.0027%; no homozygotes.

Submissions (2):

Labcorp Genetics (formerly Invitae), Labcorp
Classification: Uncertain significance for Majeed syndrome. Last evaluated: 2020-01-31. Review status: criteria provided, single submitter. Criteria: Invitae Variant Classification Sherloc (09022015). Collection method: clinical testing. Allele origin: germline.
Comment: This variant has not been reported in the literature in individuals with LPIN2-related conditions. In summary, the available evidence is currently insufficient to determine the role of this variant in disease. Therefore, it has been classified as a Variant of Uncertain Significance. Algorithms developed to predict the effect of sequence changes on RNA splicing suggest that this variant may create or strengthen a splice site, but this prediction has not been confirmed by published transcriptional studies. Algorithms developed to predict the effect of missense changes on protein structure and function are either unavailable or do not agree on the potential impact of this missense change (SIFT: "Deleterious"; PolyPhen-2: "Probably Damaging"; Align-GVGD: "Class C0"). This variant is present in population databases (rs139768435, ExAC 0.01%). This sequence change replaces proline with arginine at codon 539 of the LPIN2 protein (p.Pro539Arg). The proline residue is highly conserved and there is a moderate physicochemical difference between proline and arginine.

ARUP Laboratories, Molecular Genetics and Genomics, ARUP Laboratories
Classification: Uncertain significance for Majeed syndrome. Last evaluated: 2019-08-21. Review status: criteria provided, single submitter. Criteria: ARUP Molecular Germline Variant Investigation Process. Collection method: clinical testing. Allele origin: germline.
Comment: The LPIN2 c.1616C>G; p.Pro539Arg variant (rs139768435), to our knowledge, is not reported in the medical literature or gene-specific databases. The variant is reported in the general population with an overall allele frequency of 0.0008% (2/251,460 alleles) in the Genome Aggregation Database. The proline at codon 539 is highly conserved, and computational analyses (SIFT, PolyPhen-2) predict that this variant is deleterious. Due to limited information, the clinical significance of the p.Pro539Arg variant is uncertain at this time.

NM_001375808.2(LPIN2):c.1616C>G (p.Pro539Arg)

Gene: LPIN2 (lipin 2; minus strand). Cytogenetic location: 18p11.31.
Variant type: single nucleotide variant.
Coding change: c.1616C>G on transcript NM_001375808.2 (MANE Select); coding-DNA position 1616, C replaced by G.
Protein change: p.Pro539Arg; replaces proline 539 with arginine.
Molecular consequence: missense variant.
Genome position (GRCh38, 1-based): chr18:2,928,595, G>C on the plus strand (C>G on the coding strand, the complement: LPIN2 is on the minus strand). VCF-style: chr18-2928595-G-C. GRCh37 (hg19) VCF-style: chr18-2928593-G-C.
Other names: c.1616C>G, p.Pro539Arg (NM_001375809.1, NM_014646.2); short protein forms P539R.
Identifiers: ClinVar variation 993743 (VCV000993743.15), dbSNP rs139768435, ClinGen allele CA8873042.
Genomic context (GRCh38, chr18:2,928,595, plus strand): 5'-AAGTACTAGACACTGCGGATGCTTTCGGAAAGGCAGCAGATGGTGGATCGCCTCACCTTA[G>C]GCAAGCTCTTCTGGAATACTTGCAAGCTAAGGATCATGGGAGCTGCCAAAGCCCAGTTAT-3'
Protein context (NP_001362737.1, residues 529-549): LSLQVFQKSL[Pro539Arg]KATVESWVKD